The following is an entry in ClinVar:

ClinVar aggregate classification (germline): Likely pathogenic (1 of 4 stars; one submission).

Conditions:
Hyperekplexia 3 (HKPX3). Also called: HYPEREKPLEXIA 3, AUTOSOMAL RECESSIVE; HYPEREKPLEXIA 3, AUTOSOMAL DOMINANT. Identifiers: Orphanet 3197, MedGen C3553288, MONDO:0013827, OMIM 614618.

Submission:

Labcorp Genetics (formerly Invitae), Labcorp
Classification: Likely pathogenic for Hyperekplexia 3. Last evaluated: 2022-07-24. Review status: criteria provided, single submitter. Criteria: Invitae Variant Classification Sherloc (09022015). Collection method: clinical testing. Allele origin: germline.
Comment: This variant results in a copy number gain of the genomic region encompassing exon(s) 14 of the SLC6A5 gene. While the exact position of this variant cannot be determined from the data, sub-genic copy number gains are generally in tandem (PMID: 25640679). This variant is predicted to be out-of-frame, and may result in an absent or disrupted protein product. Loss-of-function variants in SLC6A5 are known to be pathogenic (PMID: 14622583, 16751771, 22700964). In summary, the currently available evidence indicates that the variant is pathogenic, but additional data are needed to prove that conclusively. Therefore, this variant has been classified as Likely Pathogenic. This variant has not been reported in the literature in individuals affected with SLC6A5-related conditions.

Literature cited by the submitters: PubMed 25640679; PubMed 14622583; PubMed 16751771; PubMed 22700964.

NC_000011.9:g.(?_20668360)_(20668500_?)dup

Gene: SLC6A5 (solute carrier family 6 member 5; plus strand). Cytogenetic location: 11p15.1.
Variant type: Duplication.
Identifiers: ClinVar variation 2425043 (VCV002425043.4).